The following is an entry in ClinVar:

NM_007294.4(BRCA1):c.441+1G>A

Gene: BRCA1 (BRCA1 DNA repair associated; minus strand). Cytogenetic location: 17q21.31.
Variant type: single nucleotide variant.
Coding change: c.441+1G>A on transcript NM_007294.4 (MANE Select); the canonical splice donor site of the intron after coding-DNA position 441, G replaced by A.
Molecular consequence: splice donor variant. On other transcripts: intron variant (2).
Genome position (GRCh38, 1-based): chr17:43,104,121, C>T on the plus strand (G>A on the coding strand, the complement: BRCA1 is on the minus strand). VCF-style: chr17-43104121-C-T. GRCh37 (hg19) VCF-style: chr17-41256138-C-T.
Other names: c.300+1G>A (NM_001408499.1, NM_001407933.1, NM_001407927.1 and 99 more transcripts); c.441+1G>A (NM_001408422.1, NM_001408446.1, NM_001408435.1 and 164 more transcripts); c.231+1G>A (NM_001407896.1, NM_001407900.1, NM_001407952.1 and 58 more transcripts); c.363+1G>A (NM_001407874.1, NM_001408416.1, NM_001408413.1 and 21 more transcripts); c.432+1G>A (NM_001408408.1, NM_001407647.1, NM_001407646.1); c.-218-9261G>A (NM_001407966.1, NM_001407967.1); c.60+1G>A (NM_001407963.1, NM_001407960.1, NM_001407965.1 and 4 more transcripts); c.309+1G>A (NM_001408451.1).
Identifiers: ClinVar variation 55195 (VCV000055195.26), dbSNP rs397509172, ClinGen allele CA002833.

ClinVar aggregate classification (germline): Pathogenic/Likely pathogenic. Review status: criteria provided, multiple submitters, no conflicts (2 of 4 stars). 8 submissions from 8 submitters: Pathogenic (6); Likely pathogenic (1). 1 of the submissions does not count toward it. Last evaluated 2026-03-24.

Conditions:
BRCA1-related disorder. Also called: BRCA1-related condition.
Hereditary cancer-predisposing syndrome. Also called: Hereditary Cancer Syndrome; Hereditary neoplastic syndrome; Neoplastic Syndromes, Hereditary; Tumor predisposition. Identifiers: Orphanet 140162, MedGen C0027672, MeSH D009386, MONDO:0015356.
Breast-ovarian cancer, familial, susceptibility to, 1 (BROVCA1). Also called: BRCA1 Hereditary Breast and Ovarian Cancer; OVARIAN CANCER, SUSCEPTIBILITY TO. Identifiers: Orphanet 145, MedGen C2676676, MONDO:0011450, OMIM 604370. Disease mechanism: loss of function.
Hereditary breast ovarian cancer syndrome. Also called: BRCA1- and BRCA2-Associated Hereditary Breast and Ovarian Cancer; Hereditary breast and ovarian cancer syndrome; Hereditary breast and ovarian cancer syndrome (HBOC); Breast and ovarian cancer; Hereditary breast and/or ovarian cancer syndrome; Hereditary breast and ovarian cancer. Identifiers: Orphanet 145, MedGen C0677776, MeSH D061325, MONDO:0003582. Disease mechanism: loss of function.

Submissions (8):

Ambry Genetics
Classification: Likely pathogenic for Hereditary cancer-predisposing syndrome. Last evaluated: 2026-03-24. Review status: criteria provided, single submitter. Criteria: Ambry Variant Classification Scheme 2023. Collection method: clinical testing. Allele origin: germline.
Comment: The c.441+1G>A intronic variant results from a G to A substitution one nucleotide after coding exon 5 of the BRCA1 gene. Alterations that disrupt the canonical splice site are expected to cause aberrant splicing, resulting in an abnormal protein or a transcript that is subject to nonsense-mediated mRNA decay. This variant has been reported in multiple breast and/or ovarian cancer cohorts (Chen X et al. Hum Mutat, 2006 May;27:427-35; Lilyquist J et al. Gynecol Oncol, 2017 Nov;147:375-380; Rebbeck TR et al. Hum Mutat, 2018 May;39:593-620; Ashour M et al. Cancer Manag Res, 2019 Jul;11:6275-6284). This variant was reported in 1/60,466 breast cancer cases and in 0/53,461 controls (Dorling et al. N Engl J Med 2021 02;384:428-439). This variant is considered to be rare based on population cohorts in the Genome Aggregation Database (gnomAD). This nucleotide position is highly conserved in available vertebrate species. In silico splice site analysis predicts that this alteration will weaken the native splice donor site. RNA studies (RT-PCR seq and minigene) have demonstrated that this alteration results in abnormal splicing (Chen X et al. Hum Mutat, 2006 May;27:427-35; Steffensen AY et al. Eur J Hum Genet, 2014 Dec;22:1362-8). Based on the majority of available evidence to date, this variant is likely to be pathogenic.

Labcorp Genetics (formerly Invitae), Labcorp
Classification: Pathogenic for Hereditary breast ovarian cancer syndrome. Last evaluated: 2025-08-02. Review status: criteria provided, single submitter. Criteria: Invitae Variant Classification Sherloc (09022015). Collection method: clinical testing. Allele origin: germline.
Comment: This sequence change affects a donor splice site in intron 6 of the BRCA1 gene. RNA analysis indicates that disruption of this splice site induces altered splicing and may result in an absent or altered protein product. This variant is not present in population databases (gnomAD no frequency). Disruption of this splice site has been observed in individual(s) with breast and/or ovarian cancer (PMID: 16619214, 29752822, 31372034). ClinVar contains an entry for this variant (Variation ID: 55195). Studies have shown that disruption of this splice site results in a 62-bp deletion at the end of exon 7, and produces a non-functional protein and/or introduces a premature termination codon (PMID: 16619214). For these reasons, this variant has been classified as Pathogenic.

Color Diagnostics, LLC DBA Color Health
Classification: Pathogenic for Hereditary cancer-predisposing syndrome. Last evaluated: 2025-07-28. Review status: criteria provided, single submitter. Criteria: ACMG Guidelines, 2015. Collection method: clinical testing. Allele origin: germline.
Comment: This variant causes a G to A nucleotide substitution at the +1 position of intron 6 of the BRCA1 gene. RNA studies have reported that this variant causes the out-of-frame deletion of 62 nucleotides from exon 6 that is expected to produce an absent or nonfunctional protein product (PMID: 16619214, 24667779). This variant has been reported in several individuals affected with breast and ovarian cancer (PMID: 16455195, 16619214, 31372034). This variant has been detected in a breast cancer case-control meta-analysis in 1/60466 cases and 0/53461 unaffected individuals (PMID: 33471991Leiden Open Variation Database DB-ID BRCA1_000083). A multifactorial analysis has reached a combined likelihood ratio (LR) of 20.834 based on reported LR for co-occurrence with a pathogenic variant and personal and family history for 1 carrier (PMID: 31853058). This variant has not been identified in the general population by the Genome Aggregation Database (gnomAD). Loss of BRCA1 function is a known mechanism of disease. Based on the available evidence, this variant is classified as Pathogenic.

Quest Diagnostics Nichols Institute San Juan Capistrano
Classification: Pathogenic. Last evaluated: 2024-03-21. Review status: criteria provided, single submitter. Criteria: Quest Diagnostics criteria. Collection method: clinical testing. Allele origin: unknown.
Comment: The BRCA1 c.441+1G>A variant disrupts a canonical splice-donor site and interferes with normal BRCA1 mRNA splicing. This variant has been reported in the published literature in individuals with a personal and family history of breast and/or ovarian cancer (PMIDs: 29752822 (2018), 16619214 (2006)). This variant has not been reported in large, multi-ethnic general populations (Genome Aggregation Database). Based on the available information, this variant is classified as pathogenic.

Blueprint Genetics
Classification: Pathogenic for BRCA1-related disorders. Last evaluated: 2023-08-09. Review status: criteria provided, single submitter. Criteria: ACMG Guidelines, 2015. Collection method: clinical testing. Allele origin: germline. Affected: yes. Observed: 2 variant alleles.

GeneDx
Classification: Pathogenic. Last evaluated: 2023-08-09. Review status: criteria provided, single submitter. Criteria: GeneDx Variant Classification Process June 2021. Collection method: clinical testing. Allele origin: germline. Affected: yes.
Comment: Canonical splice site variant demonstrated to result in out-of-frame exon skipping, which is predicted to result in a null allele in a gene for which loss-of-function is a known mechanism of disease (Steffensen et al., 2014); Observed in individuals with a personal or family history consistent with pathogenic variants in this gene (Chen et al., 2006; Lilyquist et al., 2017; Li et al., 2019; Ashour and Shafik 2019); Not observed at significant frequency in large population cohorts (gnomAD); Also known as 560+1G>A and IVS7+1G>A; This variant is associated with the following publications: (PMID: 25525159, 20104584, 26247049, 23348723, 29446198, 29752822, 24667779, 31372034, 16619214, 28888541)

Consortium of Investigators of Modifiers of BRCA1/2 (CIMBA), c/o University of Cambridge
Classification: Pathogenic for Breast-ovarian cancer, familial, susceptibility to, 1. Last evaluated: 2015-10-02. Review status: criteria provided, single submitter. Criteria: CIMBA Mutation Classification guidelines May 2016. Collection method: clinical testing. Allele origin: germline.

KCCC/NGS Laboratory, Kuwait Cancer Control Center
Classification: Pathogenic for Breast-ovarian cancer, familial, susceptibility to, 1. Last evaluated: 2023-05-05. Review status: no assertion criteria provided. Collection method: clinical testing. Allele origin: germline. Affected: yes. Not counted in ClinVar's aggregate classification.
Comment: A known pathogenic mutation in the BRCA1 gene was detected in this specimen. This sequence change affects a donor splice site in intron 6 of the BRCA1 gene. It is expected to disrupt RNA splicing and likely results in an absent or disrupted protein product. This variant is not gnomAD. This variant has been observed in individuals with breast cancer (PMID: 16619214, 29752822, 20104584). ClinVar contains an entry for this variant (Variation ID: 55195) with 4 submitters all of which describe the variant as pathogenic, no conflicts. Experimental studies have shown that this variant disrupts mRNA splicing (PMID: 16619214). Donor and acceptor splice site variants typically lead to a loss of protein function (PMID: 16199547), and loss-of-function variants in BRCA1 are known to be pathogenic (PMID: 20104584). Therefore, this variant has been classified as pathogenic. This variant has been confirmed by sanger sequencing.

Literature cited by the submitters: PubMed 16619214 (cited by 4 submitters); PubMed 23348723 (cited by Ambry Genetics and Quest Diagnostics Nichols Institute San Juan Capistrano); PubMed 24667779 (cited by Ambry Genetics and Color Diagnostics, LLC DBA Color Health); PubMed 28888541 (cited by Ambry Genetics); PubMed 29446198 (cited by Ambry Genetics and Quest Diagnostics Nichols Institute San Juan Capistrano); PubMed 31372034 (cited by 3 submitters); PubMed 33471991 (cited by Ambry Genetics and Color Diagnostics, LLC DBA Color Health); PubMed 29752822 (cited by Labcorp Genetics (formerly Invitae), Labcorp and Quest Diagnostics Nichols Institute San Juan Capistrano); PubMed 16455195 (cited by Color Diagnostics, LLC DBA Color Health); PubMed 31853058 (cited by Color Diagnostics, LLC DBA Color Health); PubMed 20104584 (cited by KCCC/NGS Laboratory, Kuwait Cancer Control Center).